The following is an entry in ClinVar:

NM_000455.5(STK11):c.90C>G (p.Asp30Glu)

Gene: STK11 (serine/threonine kinase 11; plus strand). Cytogenetic location: 19p13.3.
Variant type: single nucleotide variant.
Coding change: c.90C>G on transcript NM_000455.5 (MANE Select); coding-DNA position 90, C replaced by G.
Protein change: p.Asp30Glu; replaces aspartic acid 30 with glutamic acid.
Molecular consequence: missense variant.
Genome position (GRCh38, 1-based): chr19:1,207,003, C>G. VCF-style: chr19-1207003-C-G. GRCh37 (hg19) VCF-style: chr19-1207002-C-G.
Other names: short protein forms D30E.
Identifiers: ClinVar variation 480723 (VCV000480723.22), dbSNP rs771765869, ClinGen allele CA049487.
Genomic context (GRCh38, chr19:1,207,003, plus strand): 5'-CATGTTCACGGAGGGCGAGCTGATGTCGGTGGGTATGGACACGTTCATCCACCGCATCGA[C>G]TCCACCGAGGTCATCTACCAGCCGCGCCGCAAGCGGGCCAAGCTCATCGGCAAGTACCTG-3'
Protein context (NP_000446.1, residues 20-40): VGMDTFIHRI[Asp30Glu]STEVIYQPRR

ClinVar aggregate classification (germline): Uncertain significance. Review status: criteria provided, multiple submitters, no conflicts (2 of 4 stars). 5 submissions from 5 submitters: Uncertain significance (5). Last evaluated 2025-10-01.

Conditions:
Hereditary cancer-predisposing syndrome. Also called: Hereditary neoplastic syndrome; Tumor predisposition; Neoplastic Syndromes, Hereditary; Hereditary Cancer Syndrome. Identifiers: Orphanet 140162, MedGen C0027672, MeSH D009386, MONDO:0015356.
Peutz-Jeghers syndrome (PJS). Also called: Peutz-Jeghers polyposis; Periorificial lentiginosis syndrome; POLYPOSIS, HAMARTOMATOUS INTESTINAL; POLYPS-AND-SPOTS SYNDROME. Identifiers: Orphanet 2869, MedGen C0031269, MeSH D010580, MONDO:0008280, OMIM 175200.

Allele frequency attached by ClinVar (database versions not stated): ExAC 0.00001.

Submissions (5):

CeGaT Center for Human Genetics Tuebingen
Classification: Uncertain significance. Last evaluated: 2025-10-01. Review status: criteria provided, single submitter. Criteria: CeGaT Center For Human Genetics Tuebingen Variant Classification Criteria Version 2. Collection method: clinical testing. Allele origin: germline. Affected: yes. Observed: 1 variant allele.
Comment: STK11: PM2, PP3

Labcorp Genetics (formerly Invitae), Labcorp
Classification: Uncertain significance for Peutz-Jeghers syndrome. Last evaluated: 2025-05-12. Review status: criteria provided, single submitter. Criteria: Invitae Variant Classification Sherloc (09022015). Collection method: clinical testing. Allele origin: germline.
Comment: This sequence change replaces aspartic acid, which is acidic and polar, with glutamic acid, which is acidic and polar, at codon 30 of the STK11 protein (p.Asp30Glu). This variant is present in population databases (rs771765869, gnomAD 0.0009%). This variant has not been reported in the literature in individuals affected with STK11-related conditions. ClinVar contains an entry for this variant (Variation ID: 480723). Invitae Evidence Modeling of protein sequence and biophysical properties (such as structural, functional, and spatial information, amino acid conservation, physicochemical variation, residue mobility, and thermodynamic stability) has been performed for this missense variant. However, the output from this modeling did not meet the statistical confidence thresholds required to predict the impact of this variant on STK11 protein function. In summary, the available evidence is currently insufficient to determine the role of this variant in disease. Therefore, it has been classified as a Variant of Uncertain Significance.

Ambry Genetics
Classification: Uncertain significance for Hereditary cancer-predisposing syndrome. Last evaluated: 2024-10-03. Review status: criteria provided, single submitter. Criteria: Ambry Variant Classification Scheme 2023. Collection method: clinical testing. Allele origin: germline.
Comment: The p.D30E variant (also known as c.90C>G), located in coding exon 1 of the STK11 gene, results from a C to G substitution at nucleotide position 90. The aspartic acid at codon 30 is replaced by glutamic acid, an amino acid with highly similar properties. This amino acid position is highly conserved in available vertebrate species. In addition, the in silico prediction for this alteration is inconclusive. Based on the available evidence, the clinical significance of this variant remains unclear.

Genome-Nilou Lab
Classification: Uncertain significance for Peutz-Jeghers syndrome. Last evaluated: 2021-07-15. Review status: criteria provided, single submitter. Criteria: ACMG Guidelines, 2015. Collection method: clinical testing. Allele origin: germline. Affected: no.

Color Diagnostics, LLC DBA Color Health
Classification: Uncertain significance for Hereditary cancer-predisposing syndrome. Last evaluated: 2020-09-09. Review status: criteria provided, single submitter. Criteria: ACMG Guidelines, 2015. Collection method: clinical testing. Allele origin: germline.
Comment: This missense variant replaces aspartic acid with glutamic acid at codon 30 of the STK11 protein. Computational prediction is inconclusive regarding the impact of this variant on protein structure and function (internally defined REVEL score threshold 0.5 < inconclusive < 0.7, PMID: 27666373). To our knowledge, functional studies have not been reported for this variant. This variant has not been reported in individuals affected with hereditary cancer in the literature. This variant has been identified in 1/247338 chromosomes in the general population by the Genome Aggregation Database (gnomAD). The available evidence is insufficient to determine the role of this variant in disease conclusively. Therefore, this variant is classified as a Variant of Uncertain Significance.